The following is an entry in ClinVar:

ClinVar aggregate classification (germline): Conflicting classifications of pathogenicity. Review status: criteria provided, conflicting classifications (1 of 4 stars). 2 submissions from 2 submitters: Uncertain significance (1); Likely benign (1). Last evaluated 2023-03-23.

Conditions:
Hereditary breast ovarian cancer syndrome. Also called: BRCA1- and BRCA2-Associated Hereditary Breast and Ovarian Cancer; Hereditary breast and ovarian cancer syndrome (HBOC); Hereditary breast and/or ovarian cancer syndrome; Hereditary breast and ovarian cancer; Breast and ovarian cancer; Hereditary breast and ovarian cancer syndrome. Identifiers: Orphanet 145, MedGen C0677776, MeSH D061325, MONDO:0003582. Disease mechanism: loss of function.
Hereditary cancer-predisposing syndrome. Also called: Hereditary neoplastic syndrome; Hereditary Cancer Syndrome; Tumor predisposition; Neoplastic Syndromes, Hereditary. Identifiers: Orphanet 140162, MedGen C0027672, MeSH D009386, MONDO:0015356.

Submissions (2):

University of Washington Department of Laboratory Medicine, University of Washington
Classification: Likely benign for Hereditary cancer-predisposing syndrome. Last evaluated: 2023-03-23. Review status: criteria provided, single submitter. Criteria: Dines et al. (Genet Med. 2020). Collection method: curation. Allele origin: germline.
Comment: Missense variant in a coldspot region where missense variants are very unlikely to be pathogenic (PMID:31911673).

BRCA2 exon 10 coldspot. Reclassification based on statistical prior probability.

Labcorp Genetics (formerly Invitae), Labcorp
Classification: Uncertain significance for Hereditary breast ovarian cancer syndrome. Last evaluated: 2022-06-01. Review status: criteria provided, single submitter. Criteria: Invitae Variant Classification Sherloc (09022015). Collection method: clinical testing. Allele origin: germline.
Comment: This sequence change replaces lysine, which is basic and polar, with arginine, which is basic and polar, at codon 351 of the BRCA2 protein (p.Lys351Arg). This variant is not present in population databases (gnomAD no frequency). This variant has not been reported in the literature in individuals affected with BRCA2-related conditions. Advanced modeling of protein sequence and biophysical properties (such as structural, functional, and spatial information, amino acid conservation, physicochemical variation, residue mobility, and thermodynamic stability) performed at Invitae indicates that this missense variant is not expected to disrupt BRCA2 protein function. In summary, the available evidence is currently insufficient to determine the role of this variant in disease. Therefore, it has been classified as a Variant of Uncertain Significance.

NM_000059.4(BRCA2):c.1052A>G (p.Lys351Arg)

Gene: BRCA2 (BRCA2 DNA repair associated; plus strand). Cytogenetic location: 13q13.1.
Variant type: single nucleotide variant.
Coding change: c.1052A>G on transcript NM_000059.4 (MANE Select); coding-DNA position 1052, A replaced by G.
Protein change: p.Lys351Arg; replaces lysine 351 with arginine.
Molecular consequence: missense variant.
Genome position (GRCh38, 1-based): chr13:32,332,530, A>G. VCF-style: chr13-32332530-A-G. GRCh37 (hg19) VCF-style: chr13-32906667-A-G.
Other names: c.1052A>G, p.Lys351Arg (NM_001406719.1, NM_001406720.1, NM_001406721.1); short protein forms K351R.
Identifiers: ClinVar variation 2001633 (VCV002001633.6), dbSNP rs1555281710, ClinGen allele CA387761286.